The following is an entry in ClinVar:

ClinVar aggregate classification (germline): Uncertain significance (1 of 4 stars; one submission).

Conditions:
Hereditary cancer-predisposing syndrome. Also called: Tumor predisposition; Neoplastic Syndromes, Hereditary; Hereditary Cancer Syndrome; Hereditary neoplastic syndrome. Identifiers: Orphanet 140162, MedGen C0027672, MeSH D009386, MONDO:0015356.

Submission:

Ambry Genetics
Classification: Uncertain significance for Hereditary cancer-predisposing syndrome. Last evaluated: 2024-09-22. Review status: criteria provided, single submitter. Criteria: Ambry Variant Classification Scheme 2023. Collection method: clinical testing. Allele origin: germline.
Comment: The p.Y21F variant (also known as c.62A>T), located in coding exon 1 of the CDK4 gene, results from an A to T substitution at nucleotide position 62. The tyrosine at codon 21 is replaced by phenylalanine, an amino acid with highly similar properties. This amino acid position is conserved. In addition, this alteration is predicted to be tolerated by in silico analysis. Based on the available evidence, the clinical significance of this variant remains unclear.

NM_000075.4(CDK4):c.62A>T (p.Tyr21Phe)

Gene: CDK4 (cyclin dependent kinase 4; minus strand). Cytogenetic location: 12q14.1.
Variant type: single nucleotide variant.
Coding change: c.62A>T on transcript NM_000075.4 (MANE Select); coding-DNA position 62, A replaced by T.
Protein change: p.Tyr21Phe; replaces tyrosine 21 with phenylalanine.
Molecular consequence: missense variant.
Genome position (GRCh38, 1-based): chr12:57,751,656, T>A on the plus strand (A>T on the coding strand, the complement: CDK4 is on the minus strand). VCF-style: chr12-57751656-T-A. GRCh37 (hg19) VCF-style: chr12-58145439-T-A.
Other names: short protein forms Y21F.
Identifiers: ClinVar variation 3489502 (VCV003489502.1).